The following is an entry in ClinVar:

NM_000257.4(MYH7):c.3812_3823del (p.Asn1271_Thr1274del)

Gene: MYH7 (myosin heavy chain 7; minus strand). Cytogenetic location: 14q11.2.
Variant type: Deletion.
Coding change: c.3812_3823del on transcript NM_000257.4 (MANE Select); coding-DNA positions 3812 to 3823, 12 bases deleted (ACGACCTCACCA).
Protein change: p.Asn1271_Thr1274del.
Molecular consequence: inframe deletion.
Genome position (GRCh38, 1-based): chr14:23,419,513-23,419,524, TGGTGAGGTCGT deleted on the plus strand (ACGACCTCACCA on the coding strand, the reverse complement: MYH7 is on the minus strand); deleting any 12 consecutive bases within chr14:23,419,513-23,419,526 gives the same sequence; the c. name uses the placement nearest the transcript's 3' end. VCF-style (leftmost placement, unchanged base first): chr14-23419512-CTGGTGAGGTCGT-C. GRCh37 (hg19) VCF-style: chr14-23888721-CTGGTGAGGTCGT-C.
Other names: c.3812_3823del (LRG_384t1).
Identifiers: ClinVar variation 503741 (VCV000503741.2), dbSNP rs1555337023, ClinGen allele CA658798189.

ClinVar aggregate classification (germline): Likely pathogenic (1 of 4 stars; one submission).

Submission:

GeneDx
Classification: Likely pathogenic. Last evaluated: 2017-12-08. Review status: criteria provided, single submitter. Criteria: GeneDx Variant Classification (06012015). Collection method: clinical testing. Allele origin: germline. Affected: yes.
Comment: A c.3812_3823del12 variant that is likely pathogenic was identified in the MYH7 gene. This variant has not been published as pathogenic or been reported as benign to our knowledge. The c.3812_3823del12 variant is not observed in large population cohorts (Lek et al., 2016). This variant results in an in-frame deletion of four amino acid residues from asparagine 1271 to threonine 1274, denoted as p.Asn1271_Thr1274del. This deletion occurs in a region that is conserved in mammals. Furthermore, multiple other in-frame deletions in the MYH7 gene have been reported in the Human Gene Mutation Database in association with cardiomyopathy (Stenson et al., 2014).